The following is an entry in ClinVar:

ClinVar aggregate classification (germline): Uncertain significance. Review status: criteria provided, multiple submitters, no conflicts (2 of 4 stars). 2 submissions from 2 submitters: Uncertain significance (2). Last evaluated 2025-10-02.

Conditions:
Atypical hemolytic-uremic syndrome. Identifiers: Orphanet 2134, MedGen C2931788, MONDO:0016244.

Allele frequency attached by ClinVar (database versions not stated): TOPMed 0.00001.

Submissions (2):

Genomenon, Inc
Classification: Uncertain significance for Atypical hemolytic-uremic syndrome. Last evaluated: 2025-10-02. Review status: criteria provided, single submitter. Criteria: Genomenon Sequence Variant Interpretation Standards. Collection method: curation. Allele origin: germline. Affected: yes.
Comment: CD46 p.Cys64Tyr (c.191G>A) is a missense variant that changes the amino acid at residue 64 from Cysteine to Tyrosine. This variant has been observed in at least one proband affected with atypical hemolytic-uremic syndrome (PMID:29511899;35619721). It is absent or not present at a significant frequency in gnomAD. In silico models agree that this variant is possibly or probably damaging. In conclusion, we classify CD46 p.Cys64Tyr (c.191G>A) as a variant of uncertain significance.

Labcorp Genetics (formerly Invitae), Labcorp
Classification: Uncertain significance. Last evaluated: 2023-03-06. Review status: criteria provided, single submitter. Criteria: Invitae Variant Classification Sherloc (09022015). Collection method: clinical testing. Allele origin: germline.
Comment: In summary, the available evidence is currently insufficient to determine the role of this variant in disease. Therefore, it has been classified as a Variant of Uncertain Significance. Advanced modeling of protein sequence and biophysical properties (such as structural, functional, and spatial information, amino acid conservation, physicochemical variation, residue mobility, and thermodynamic stability) performed at Invitae indicates that this missense variant is expected to disrupt CD46 protein function. ClinVar contains an entry for this variant (Variation ID: 1356334). This variant has not been reported in the literature in individuals affected with CD46-related conditions. This variant is not present in population databases (gnomAD no frequency). This sequence change replaces cysteine, which is neutral and slightly polar, with tyrosine, which is neutral and polar, at codon 64 of the CD46 protein (p.Cys64Tyr).

Literature cited by the submitters: PubMed 29511899 (cited by Genomenon, Inc); PubMed 35619721 (cited by Genomenon, Inc).

NM_172351.3(CD46):c.191G>A (p.Cys64Tyr)

Gene: CD46 (CD46 molecule; plus strand). Cytogenetic location: 1q32.2.
Variant type: single nucleotide variant.
Coding change: c.191G>A on transcript NM_172351.3 (MANE Select); coding-DNA position 191, G replaced by A.
Protein change: p.Cys64Tyr; replaces cysteine 64 with tyrosine.
Molecular consequence: missense variant.
Genome position (GRCh38, 1-based): chr1:207,757,107, G>A. VCF-style: chr1-207757107-G-A. GRCh37 (hg19) VCF-style: chr1-207930452-G-A.
Other names: c.191G>A, p.Cys64Tyr (NM_002389.4, NM_153826.4, NM_172350.3 and 8 more transcripts); short protein forms C64Y.
Identifiers: ClinVar variation 1356334 (VCV001356334.9), dbSNP rs1655633353, ClinGen allele CA344548100.